The following is an entry in ClinVar:

ClinVar aggregate classification (germline): Uncertain significance (1 of 4 stars; one submission).

Allele frequency attached by ClinVar (database versions not stated): gnomAD 0.00001; gnomAD exomes 0.00001; TOPMed 0.00001; ExAC 0.00002.
gnomAD v4.1: 18 of 1,613,600 alleles (0.0011%); highest among the groups gnomAD compares: Middle Eastern, 0.016%; no homozygotes.

Submission:

Labcorp Genetics (formerly Invitae), Labcorp
Classification: Uncertain significance. Last evaluated: 2022-01-17. Review status: criteria provided, single submitter. Criteria: Invitae Variant Classification Sherloc (09022015). Collection method: clinical testing. Allele origin: germline.
Comment: This sequence change replaces lysine, which is basic and polar, with arginine, which is basic and polar, at codon 150 of the KCNH1 protein (p.Lys150Arg). In summary, the available evidence is currently insufficient to determine the role of this variant in disease. Therefore, it has been classified as a Variant of Uncertain Significance. Algorithms developed to predict the effect of missense changes on protein structure and function (SIFT, PolyPhen-2, Align-GVGD) all suggest that this variant is likely to be tolerated. This variant has not been reported in the literature in individuals affected with KCNH1-related conditions. This variant is present in population databases (rs759480468, gnomAD 0.002%).

NM_172362.3(KCNH1):c.449A>G (p.Lys150Arg)

Gene: KCNH1 (potassium voltage-gated channel subfamily H member 1; minus strand). Cytogenetic location: 1q32.2.
Variant type: single nucleotide variant.
Coding change: c.449A>G on transcript NM_172362.3 (MANE Select); coding-DNA position 449, A replaced by G.
Protein change: p.Lys150Arg; replaces lysine 150 with arginine.
Molecular consequence: missense variant.
Genome position (GRCh38, 1-based): chr1:211,082,889, T>C on the plus strand (A>G on the coding strand, the complement: KCNH1 is on the minus strand). VCF-style: chr1-211082889-T-C. GRCh37 (hg19) VCF-style: chr1-211256231-T-C.
Other names: c.449A>G, p.Lys150Arg (NM_002238.4); short protein forms K150R.
Identifiers: ClinVar variation 2012124 (VCV002012124.4), dbSNP rs759480468, ClinGen allele CA1380020.